The following is an entry in ClinVar:

ClinVar aggregate classification (germline): Uncertain significance. Review status: criteria provided, multiple submitters, no conflicts (2 of 4 stars). 2 submissions from 2 submitters: Uncertain significance (2). Last evaluated 2024-05-08.

Allele frequency attached by ClinVar (database versions not stated): TOPMed 0.00005; gnomAD 0.00007; ESP Exome Variant Server 0.00015.
gnomAD v4.1: 14 of 1,614,070 alleles (0.00087%); highest among the groups gnomAD compares: African/African-American, 0.019%; no homozygotes.

Submissions (2):

Ambry Genetics
Classification: Uncertain significance. Last evaluated: 2024-05-08. Review status: criteria provided, single submitter. Criteria: Ambry Variant Classification Scheme 2023. Collection method: clinical testing. Allele origin: germline.

Labcorp Genetics (formerly Invitae), Labcorp
Classification: Uncertain significance. Last evaluated: 2023-05-23. Review status: criteria provided, single submitter. Criteria: Invitae Variant Classification Sherloc (09022015). Collection method: clinical testing. Allele origin: germline.
Comment: This variant has not been reported in the literature in individuals affected with NIN-related conditions. In summary, the available evidence is currently insufficient to determine the role of this variant in disease. Therefore, it has been classified as a Variant of Uncertain Significance. An algorithm developed to predict the effect of missense changes on protein structure and function (PolyPhen-2) suggests that this variant is likely to be disruptive. This variant is present in population databases (rs145736568, gnomAD 0.03%). This sequence change replaces arginine, which is basic and polar, with threonine, which is neutral and polar, at codon 1090 of the NIN protein (p.Arg1090Thr).

NM_020921.4(NIN):c.3269G>C (p.Arg1090Thr)

Gene: NIN (ninein; minus strand). Cytogenetic location: 14q22.1.
Variant type: single nucleotide variant.
Coding change: c.3269G>C on transcript NM_020921.4 (MANE Select); coding-DNA position 3269, G replaced by C.
Protein change: p.Arg1090Thr; replaces arginine 1090 with threonine.
Molecular consequence: missense variant. On other transcripts: intron variant (1).
Genome position (GRCh38, 1-based): chr14:50,757,761, C>G on the plus strand (G>C on the coding strand, the complement: NIN is on the minus strand). VCF-style: chr14-50757761-C-G. GRCh37 (hg19) VCF-style: chr14-51224479-C-G.
Other names: c.3269G>C, p.Arg1090Thr (NM_182946.2, NM_182944.3); c.2399+2096G>C (NM_016350.5); c.3269G>C (NM_020921.3); short protein forms R1090T.
Identifiers: ClinVar variation 2887332 (VCV002887332.4), dbSNP rs145736568, ClinGen allele CA7181772.